The following is an entry in ClinVar:

NM_003238.6(TGFB2):c.362C>G (p.Thr121Ser)

Gene: TGFB2 (transforming growth factor beta 2; plus strand). Cytogenetic location: 1q41.
Variant type: single nucleotide variant.
Coding change: c.362C>G on transcript NM_003238.6 (MANE Select); coding-DNA position 362, C replaced by G.
Protein change: p.Thr121Ser; replaces threonine 121 with serine.
Molecular consequence: missense variant. On other transcripts: non-coding transcript variant (2).
Genome position (GRCh38, 1-based): chr1:218,405,184, C>G. VCF-style: chr1-218405184-C-G. GRCh37 (hg19) VCF-style: chr1-218578526-C-G.
Other names: c.446C>G, p.Thr149Ser (NM_001135599.4); short protein forms T121S, T149S.
Identifiers: ClinVar variation 452426 (VCV000452426.16), dbSNP rs1300823855, ClinGen allele CA344725883.

ClinVar aggregate classification (germline): Uncertain significance. Review status: criteria provided, multiple submitters, no conflicts (2 of 4 stars). 4 submissions from 4 submitters: Uncertain significance (4). Last evaluated 2025-05-02.

Conditions:
Familial thoracic aortic aneurysm and aortic dissection (TAAD). Also called: Thoracic aortic aneurysms and dissections. Identifiers: Orphanet 91387, MedGen C4707243, MONDO:0019625.
Loeys-Dietz syndrome 4 (LDS4). Also called: ANEURYSM, AORTIC AND CEREBRAL, WITH ARTERIAL TORTUOSITY AND SKELETAL MANIFESTATIONS; TGFB2-Related Loeys-Dietz Syndrome. Identifiers: MedGen C3553762, MONDO:0013897, OMIM 614816.

Allele frequency attached by ClinVar (database versions not stated): gnomAD exomes below 0.00001 and 0.00001; TOPMed below 0.00001; gnomAD 0.00001.
gnomAD v4.1: 18 of 1,590,682 alleles (0.0011%); highest among the groups gnomAD compares: African/African-American, 0.0013%; no homozygotes.

Submissions (4):

Women's Health and Genetics/Laboratory Corporation of America, LabCorp
Classification: Uncertain significance. Last evaluated: 2025-05-02. Review status: criteria provided, single submitter. Criteria: LabCorp Variant Classification Summary - May 2015. Collection method: clinical testing. Allele origin: germline.

Labcorp Genetics (formerly Invitae), Labcorp
Classification: Uncertain significance for Loeys-Dietz syndrome 4. Last evaluated: 2024-08-23. Review status: criteria provided, single submitter. Criteria: Invitae Variant Classification Sherloc (09022015). Collection method: clinical testing. Allele origin: germline.
Comment: This sequence change replaces threonine, which is neutral and polar, with serine, which is neutral and polar, at codon 121 of the TGFB2 protein (p.Thr121Ser). This variant is present in population databases (no rsID available, gnomAD 0.002%). This variant has not been reported in the literature in individuals affected with TGFB2-related conditions. ClinVar contains an entry for this variant (Variation ID: 452426). Invitae Evidence Modeling of protein sequence and biophysical properties (such as structural, functional, and spatial information, amino acid conservation, physicochemical variation, residue mobility, and thermodynamic stability) indicates that this missense variant is not expected to disrupt TGFB2 protein function with a negative predictive value of 80%. In summary, the available evidence is currently insufficient to determine the role of this variant in disease. Therefore, it has been classified as a Variant of Uncertain Significance.

Ambry Genetics
Classification: Uncertain significance for Familial thoracic aortic aneurysm and aortic dissection. Last evaluated: 2022-08-10. Review status: criteria provided, single submitter. Criteria: Ambry Variant Classification Scheme 2023. Collection method: clinical testing. Allele origin: germline.
Comment: The p.T121S variant (also known as c.362C>G), located in coding exon 2 of the TGFB2 gene, results from a C to G substitution at nucleotide position 362. The threonine at codon 121 is replaced by serine, an amino acid with similar properties. This amino acid position is conserved. In addition, this alteration is predicted to be tolerated by in silico analysis. Since supporting evidence is limited at this time, the clinical significance of this alteration remains unclear.

GeneDx
Classification: Uncertain significance. Last evaluated: 2018-11-27. Review status: criteria provided, single submitter. Criteria: GeneDx Variant Classification (06012015). Collection method: clinical testing. Allele origin: germline. Affected: yes.
Comment: The T121S variant in the TGFB2 gene has not been reported previously as a pathogenic variant, nor as a benign variant, to our knowledge. The variant is not observed at a significant frequency in large population cohorts (Lek et al., 2016). The variant is a conservative amino acid substitution, which is not likely to impact secondary protein structure as these residues share similar properties. This substitution occurs at a position that is conserved by class. In silico analysis is inconsistent in its predictions as to whether or not the variant is damaging to the protein structure/function. We interpret T121S as a variant of uncertain significance.